The following is an entry in ClinVar:

ClinVar aggregate classification (germline): Uncertain significance. Review status: criteria provided, multiple submitters, no conflicts (2 of 4 stars). 3 submissions from 3 submitters: Uncertain significance (2). 1 of the submissions does not count toward it. Last evaluated 2024-11-18.

Conditions:
Retinal dystrophy. Also called: Inherited retinal dystrophy. Identifiers: Orphanet 71862, MedGen C0854723, MeSH D058499, MONDO:0019118, HP:0000556.

Submissions (3):

Labcorp Genetics (formerly Invitae), Labcorp
Classification: Uncertain significance. Last evaluated: 2024-11-18. Review status: criteria provided, single submitter. Criteria: Invitae Variant Classification Sherloc (09022015). Collection method: clinical testing. Allele origin: germline.
Comment: This variant, c.2501_2503del, results in the deletion of 1 amino acid(s) of the PDE6C protein (p.Glu834del), but otherwise preserves the integrity of the reading frame. This variant is present in population databases (rs757524417, gnomAD 0.01%). This variant has not been reported in the literature in individuals affected with PDE6C-related conditions. Experimental studies and prediction algorithms are not available or were not evaluated, and the functional significance of this variant is currently unknown. In summary, the available evidence is currently insufficient to determine the role of this variant in disease. Therefore, it has been classified as a Variant of Uncertain Significance.

Blueprint Genetics
Classification: Uncertain significance. Last evaluated: 2021-10-18. Review status: criteria provided, single submitter. Criteria: ACMG Guidelines, 2015. Collection method: clinical testing. Allele origin: germline.

Institute of Human Genetics, Univ. Regensburg, Univ. Regensburg
Classification: Uncertain significance for Retinal dystrophy. Last evaluated: 2023-01-01. Review status: no assertion criteria provided. Criteria: ACMG Guidelines, 2015. Collection method: clinical testing. Allele origin: germline. Affected: yes. Not counted in ClinVar's aggregate classification.

NM_006204.4(PDE6C):c.2498AAG[1] (p.Glu834del)

Gene: PDE6C (phosphodiesterase 6C; plus strand). Cytogenetic location: 10q23.33.
Variant type: Microsatellite.
Coding change: c.2498AAG[1] on transcript NM_006204.4 (MANE Select); one copy of the 3-base unit AAG starting at c.2498; the reference has two copies in a row; one copy, 3 bases deleted; also written c.2501_2503del.
Protein change: p.Glu834del; deletes glutamic acid 834.
Molecular consequence: inframe deletion.
Genome position (GRCh38, 1-based): chr10:93,663,161-93,663,163, AAG deleted; deleting any 3 consecutive bases within chr10:93,663,158-93,663,163 gives the same sequence; the position shown is the placement nearest the transcript's 3' end. VCF-style (leftmost placement, unchanged base first): chr10-93663157-CAAG-C. GRCh37 (hg19) VCF-style: chr10-95422914-CAAG-C.
Other names: c.2501_2503del (NM_006204.4); short protein forms E834del.
Identifiers: ClinVar variation 1383927 (VCV001383927.7), dbSNP rs757524417, ClinGen allele CA5610512.